The following is an entry in ClinVar:

ClinVar aggregate classification (germline): Likely pathogenic. Review status: reviewed by expert panel (3 of 4 stars). 8 submissions from 8 submitters: Likely pathogenic (1). 7 of the submissions do not count toward it. Last evaluated 2026-02-18.

Conditions:
Glycogen storage disease, type II (IOPD). Also called: Glucosidase acid-1,4-alpha deficiency; CARDIOMEGALIA GLYCOGENICA DIFFUSA; GLYCOGENOSIS, GENERALIZED, CARDIAC FORM; GSD II; Glycogen storage disease type 2; Acid maltase deficiency disease. Identifiers: Orphanet 365, MedGen C0017921, MONDO:0009290, OMIM 232300.

gnomAD v4.1: 2 of 1,612,944 alleles (0.00012%); highest among the groups gnomAD compares: Non-Finnish European, 0.000085%; no homozygotes.

Submissions (8):

ClinGen Lysosomal Storage Disorder Variant Curation Expert Panel
Classification: Likely pathogenic for Glycogen storage disease, type II. Last evaluated: 2026-02-18. Review status: reviewed by expert panel. Criteria: clingen_lsd_acmg_specifications_v2-1. Collection method: curation. Allele origin: germline. Inheritance: Autosomal recessive inheritance.
Comment: The NM_000152.5:c.1781G>C variant in GAA is a missense variant predicted to cause substitution of arginine by proline at amino acid 594 (p.Arg594Pro). This variant has been detected in at least 3 probands with Pompe disease (PMID: 34952985, 19588081, 18425781, clinical diagnostic laboratory). Two of these individuals are reported to have clinical features consistent with the condition, and one is reported to be on enzyme replacement therapy, but residual GAA activity was not provided (PMID: 19588081, 34952985). Another patient, identified by a clinical diagnostic laboratory, has deficiency GAA activity in dried blood spot and a brother reported to have Pompe disease (PP4_Moderate). Each of the 3 probands is compound heterozygous, phase unknown, for the variant and another pathogenic variant in GAA, either c.525delT (clinical diagnostic laboratory), c.32‐13T>G (PMID: 34952985) or c.1941C>G (p.Cys647Trp) (PMID: 19588081) (PM3). The highest population minor allele frequency in gnomAD v4.1.0 is 8.475e-7 (1/1179952 alleles) in the European (non-Finnish) population, which is lower than the ClinGen LD VCEP’s threshold for PM2_Supporting (<0.001), meeting this criterion (PM2_Supporting). Expression of the variant in COS cells resulted in 1.2% wild type GAA activity leading the variant to be described as Class B (“potentially less severe”), indicating that this variant may impact protein function (PMID: 22644586) (PS3_Moderate). The computational predictor REVEL gives a score of 0.941 which is above the threshold of 0.7, evidence that correlates with impact to GAA function (PP3). Another missense change (c.1781G>A, p.Arg594His) (ClinVar Variation ID: 972747) at the same amino acid residue has been classified as pathogenic by the ClinGen LD VCEP (PM5). There is a ClinVar entry for this variant (Variation ID: 289361). In summary, this variant meets the criteria to be classified as likely pathogenic for Pompe disease based on the GAA-specific ACMG/AMP criteria applied, as specified by the ClinGen Lysosomal Storage Disorders Variant Curation Expert Panel (Specifications Version 2.0.0): PM3, PM5, PS3_Moderate, PP4_Moderate, PP3, PM2_Supporting. (Classification approved by the ClinGen Lysosomal Storage Disorders Variant Curation Expert Panel on February 18, 2026).

Genomenon, Inc
Classification: Likely pathogenic for Glycogen storage disease, type II. Last evaluated: 2026-07-01. Review status: criteria provided, single submitter. Criteria: Genomenon Sequence Variant Interpretation Standards - Updated. Collection method: curation. Allele origin: germline. Affected: yes. Not counted in ClinVar's aggregate classification.
Comment: GAA p.Arg594Pro (c.1781G>C) is a missense variant that changes the amino acid at codon 594 from Arginine to Proline. This variant has been observed in at least one proband with a GAA-related disorder in the compound heterozygous and/or homozygous state (PMID:34952985). At least one functional study has demonstrated a substantial alteration in protein function relative to the wild-type (PMID:22644586). It is absent or not present at a significant frequency in gnomAD. In silico models predict that this variant is possibly or probably damaging. In conclusion, we classify GAA p.Arg594Pro (c.1781G>C) as a likely pathogenic variant.

Revvity Omics, Revvity
Classification: Pathogenic. Last evaluated: 2024-03-28. Review status: criteria provided, single submitter. Criteria: ACMG Guidelines, 2015. Collection method: clinical testing. Allele origin: germline. Not counted in ClinVar's aggregate classification.

Genome-Nilou Lab
Classification: Likely pathogenic for Glycogen storage disease, type II. Last evaluated: 2021-07-22. Review status: criteria provided, single submitter. Criteria: ACMG Guidelines, 2015. Collection method: clinical testing. Allele origin: germline. Affected: no. Not counted in ClinVar's aggregate classification.

Genetic Services Laboratory, University of Chicago
Classification: Pathogenic. Last evaluated: 2020-11-20. Review status: criteria provided, single submitter. Criteria: ACMG Guidelines, 2015. Collection method: clinical testing. Allele origin: germline. Affected: yes. Not counted in ClinVar's aggregate classification.
Comment: The c.1781G>C sequence change in exon 13 results in the amino acid change p.Arg594Pro. This sequence change has been described in the gnomAD database in two individuals with a low overall population frequency of 0.0008% (dbSNP rs775450536). The p.Arg594Pro change affects a highly conserved amino acid residue located in a domain of the GAA protein that is known to be functional. The p.Arg594Pro substitution appears to be deleterious using several in-silico pathogenicity prediction tools (SIFT, PolyPhen2, Align GVGD, REVEL). This sequence change has been reported in three individuals with Glycogen storage disease II, two of whom were siblings and were also found to carry another pathogenic sequence change in the GAA gene, c.1941C>G. Additionally, two other sequence changes at the same location, p.Arg594His and p.Arg594Cys, have been reported in individuals with Glycogen storage disease II (PMIDs: 22644586, 29451150). Functional studies have demonstrated that the p.Arg594Pro change may reduce GAA protein function (PMID: 2264586). The p.Arg594Pro change has previously been reported with the p.Glu176Argfs*45 change in an individual with late-onset limb-girdle muscular dystrophy, however the cis/trans configuration was not reported (PMID: 30564623).

Labcorp Genetics (formerly Invitae), Labcorp
Classification: Likely pathogenic for Glycogen storage disease, type II. Last evaluated: 2020-07-16. Review status: criteria provided, single submitter. Criteria: Invitae Variant Classification Sherloc (09022015). Collection method: clinical testing. Allele origin: germline. Not counted in ClinVar's aggregate classification.
Comment: This variant disrupts the p.Arg594 amino acid residue in GAA. Other variant(s) that disrupt this residue have been observed in individuals with GAA-related conditions (PMID: 29451150), which suggests that this may be a clinically significant amino acid residue. In summary, the currently available evidence indicates that the variant is pathogenic, but additional data are needed to prove that conclusively. Therefore, this variant has been classified as Likely Pathogenic. This variant has been reported to affect GAA protein function (PMID: 22644586). This variant has been observed in individual(s) with Pompe disease (PMID: 19588081, 30564623). It has also been observed to segregate with disease in related individuals. ClinVar contains an entry for this variant (Variation ID: 289361). This variant is present in population databases (rs775450536, ExAC 0.003%). This sequence change replaces arginine with proline at codon 594 of the GAA protein (p.Arg594Pro). The arginine residue is highly conserved and there is a moderate physicochemical difference between arginine and proline.

Broad Center for Mendelian Genomics, Broad Institute of MIT and Harvard
Classification: Likely pathogenic for Glycogen storage disease, type II. Last evaluated: 2020-01-22. Review status: criteria provided, single submitter. Criteria: ACMG Guidelines, 2015. Collection method: curation. Allele origin: germline. Inheritance: Autosomal recessive inheritance. Not counted in ClinVar's aggregate classification.
Comment: The heterozygous p.Arg594Pro variant in GAA has been reported in 2 Brazilian and 1 northern European individuals with Glycogen Storage Disease II and segregated with disease in 2 affected siblings from 1 family (PMID: 19588081, 18425781). This variant has been identified in 0.002% (2/111938) of European (non-Finnish) chromosomes by the Genome Aggregation Database (gnomAD; dbSNP rs775450536). Although this variant has been seen in the general population, its frequency is low enough to be consistent with a recessive carrier frequency. This variant has also been reported as a VUS by EGL in ClinVar (Variation ID: 289361). In vitro functional studies provide some evidence that the p.Arg594Pro variant may reduce proteolytically activated GAA protein levels and impact protein function (PMID: 22644586). However, these types of assays may not accurately represent biological function. Computational prediction tools and conservation analyses suggest that this variant may impact the protein, though this information is not predictive enough to determine pathogenicity. This variant was reported in combination with a likely pathogenic variant and in individuals with Glycogen Storage Disease II (PMID: 19588081). In summary, although additional studies are required to fully establish its clinical significance, this variant is likely pathogenic. ACMG/AMP Criteria applied: PS3, PM2, PP3 (Richards 2015).

Eurofins Ntd Llc (ga)
Classification: Uncertain significance. Last evaluated: 2016-07-08. Review status: criteria provided, single submitter. Criteria: EGL Classification Definitions 2015. Collection method: clinical testing. Allele origin: germline. Observed: 1 variant allele, 1 heterozygote. Not counted in ClinVar's aggregate classification.

Literature cited by the submitters: PubMed 34952985 (cited by Genomenon, Inc); PubMed 22644586 (cited by 3 submitters); PubMed 29451150 (cited by Labcorp Genetics (formerly Invitae), Labcorp); PubMed 19588081 (cited by Labcorp Genetics (formerly Invitae), Labcorp); PubMed 30564623 (cited by Labcorp Genetics (formerly Invitae), Labcorp).

NM_000152.5(GAA):c.1781G>C (p.Arg594Pro)

Gene: GAA (alpha glucosidase; plus strand). Cytogenetic location: 17q25.3.
Variant type: single nucleotide variant.
Coding change: c.1781G>C on transcript NM_000152.5 (MANE Select); coding-DNA position 1781, G replaced by C.
Protein change: p.Arg594Pro; replaces arginine 594 with proline.
Molecular consequence: missense variant.
Genome position (GRCh38, 1-based): chr17:80,112,604, G>C. VCF-style: chr17-80112604-G-C. GRCh37 (hg19) VCF-style: chr17-78086403-G-C.
Other names: NM_000152.5(GAA):c.1781G>C; c.1781G>C (NM_000152.4); c.1781G>C, p.Arg594Pro (NM_001079803.3, NM_001079804.3); short protein forms R594P.
Identifiers: ClinVar variation 289361 (VCV000289361.27), dbSNP rs775450536, ClinGen allele CA8815476.